The following is an entry in ClinVar:

NM_006767.4(LZTR1):c.707G>C (p.Cys236Ser)

Gene: LZTR1 (leucine zipper like post translational regulator 1; plus strand). Cytogenetic location: 22q11.21.
Variant type: single nucleotide variant.
Coding change: c.707G>C on transcript NM_006767.4 (MANE Select); coding-DNA position 707, G replaced by C.
Protein change: p.Cys236Ser; replaces cysteine 236 with serine.
Molecular consequence: missense variant.
Genome position (GRCh38, 1-based): chr22:20,990,441, G>C. VCF-style: chr22-20990441-G-C. GRCh37 (hg19) VCF-style: chr22-21344730-G-C.
Other names: short protein forms C236S.
Identifiers: ClinVar variation 1704160 (VCV001704160.2), dbSNP rs2518615752, ClinGen allele CA410780526.

ClinVar aggregate classification (germline): Uncertain significance (1 of 4 stars; one submission).

Allele frequency attached by ClinVar (database versions not stated): gnomAD exomes below 0.00001.

Submission:

GeneDx
Classification: Uncertain significance. Last evaluated: 2022-02-28. Review status: criteria provided, single submitter. Criteria: GeneDx Variant Classification Process June 2021. Collection method: clinical testing. Allele origin: germline. Affected: yes.
Comment: Not observed at significant frequency in large population cohorts (gnomAD); In silico analysis supports that this missense variant does not alter protein structure/function; Has not been previously published as pathogenic or benign to our knowledge